The following is an entry in ClinVar:

NM_006208.3(ENPP1):c.2101-11del

Gene: ENPP1 (ectonucleotide pyrophosphatase/phosphodiesterase 1; plus strand). Cytogenetic location: 6q23.2.
Variant type: Deletion.
Coding change: c.2101-11del on transcript NM_006208.3 (MANE Select); 11 bases into the intron before coding-DNA position 2101, one base deleted (T; older notation c.2101-11delT).
Molecular consequence: intron variant.
Genome position (GRCh38, 1-based): chr6:131,882,334, T deleted; the last of 4 consecutive T bases (chr6:131,882,331-131,882,334); deleting any one gives the same sequence. VCF-style (leftmost placement, unchanged base first): chr6-131882330-AT-A. GRCh37 (hg19) VCF-style: chr6-132203470-AT-A.
Identifiers: ClinVar variation 355347 (VCV000355347.24), dbSNP rs397832689, ClinGen allele CA4002427.
Genomic context (GRCh38, chr6:131,882,330, plus strand): 5'-ACCTTTAAATATTAATAAAGCAATTTTCTTCTCTGTGCCTGATATCTGAGAGTTCTTCTC[AT>A]TTTCGTTCTTCAGGACAGTTTCTCTACGGAAGACTTCTCCAACTGTCTGTACCAGGACTT-3'

ClinVar aggregate classification (germline): Benign. Review status: criteria provided, multiple submitters, no conflicts (2 of 4 stars). 9 submissions from 6 submitters: Benign (7). 2 of the submissions do not count toward it. Last evaluated 2026-02-04.

Conditions:
Obesity. Also called: Obesity disorder. Identifiers: Orphanet 71529, MedGen C0028754, MeSH D009765, MONDO:0011122, HP:0001513.
Hypopigmentation-punctate palmoplantar keratoderma syndrome. Also called: GUTTATE HYPOPIGMENTATION AND PUNCTATE PALMOPLANTAR KERATODERMA WITH OR WITHOUT ECTOPIC CALCIFICATION; Cole disease. Identifiers: Orphanet 324561, MedGen C3809781, MONDO:0014227, OMIM 615522.
Hypophosphatemic rickets, autosomal recessive, 2 (ARHR2). Identifiers: Orphanet 289176, MedGen C2750078, MONDO:0013219, OMIM 613312.
Diabetes mellitus type 2, susceptibility to. Identifiers: MedGen C3837967.
Arterial calcification, generalized, of infancy, 1 (GACI1). Also called: Idiopathic Infantile Arterial Calcification. Identifiers: Orphanet 51608, MedGen C4551985, MONDO:0008817, OMIM 208000.

Submissions (9):

Labcorp Genetics (formerly Invitae), Labcorp
Classification: Benign. Last evaluated: 2026-02-04. Review status: criteria provided, single submitter. Criteria: Invitae Variant Classification Sherloc (09022015). Collection method: clinical testing. Allele origin: germline.

Blueprint Genetics
Classification: Benign. Last evaluated: 2024-11-27. Review status: criteria provided, single submitter. Criteria: ACMG Guidelines, 2015. Collection method: clinical testing. Allele origin: germline.

Genome-Nilou Lab
Classification: Benign for Arterial calcification, generalized, of infancy, 1. Last evaluated: 2021-07-30. Review status: criteria provided, single submitter. Criteria: ACMG Guidelines, 2015. Collection method: clinical testing. Allele origin: germline. Affected: no.

Genome-Nilou Lab
Classification: Benign for Hypopigmentation-punctate palmoplantar keratoderma syndrome. Last evaluated: 2021-07-30. Review status: criteria provided, single submitter. Criteria: ACMG Guidelines, 2015. Collection method: clinical testing. Allele origin: germline. Affected: no.

Genome-Nilou Lab
Classification: Benign for Hypophosphatemic rickets, autosomal recessive, 2. Last evaluated: 2021-07-30. Review status: criteria provided, single submitter. Criteria: ACMG Guidelines, 2015. Collection method: clinical testing. Allele origin: germline. Affected: no.

GeneDx
Classification: Benign. Last evaluated: 2020-11-09. Review status: criteria provided, single submitter. Criteria: GeneDx Variant Classification Process June 2021. Collection method: clinical testing. Allele origin: germline. Affected: yes.

Laboratory for Molecular Medicine, Mass General Brigham Personalized Medicine
Classification: Benign. Last evaluated: 2016-03-21. Review status: criteria provided, single submitter. Criteria: LMM Criteria. Collection method: clinical testing. Allele origin: germline. Observed: 1 variant allele.
Comment: c.2101-11delT in intron 20 of ENPP1: This variant is not expected to have clinic al significance because it has been identified in 85.70% (1133/1322) of African chromosomes by the 1000 Genomes Project (Phase 3; dbSNP rs1799774).

OMIM
Classification: risk factor for TYPE 2 DIABETES MELLITUS, SUSCEPTIBILITY TO. Last evaluated: 2006-07-01. Review status: no assertion criteria provided. Collection method: literature only. Allele origin: germline. Not counted in ClinVar's aggregate classification.

OMIM
Classification: risk factor for OBESITY, SUSCEPTIBILITY TO. Last evaluated: 2006-07-01. Review status: no assertion criteria provided. Collection method: literature only. Allele origin: germline. Not counted in ClinVar's aggregate classification.

Literature cited by the submitters: PubMed 16025115 (cited by OMIM); PubMed 9662402 (cited by OMIM); PubMed 10453738 (cited by OMIM); PubMed 16609882 (cited by OMIM); PubMed 11771660 (cited by OMIM).